The following is an entry in ClinVar:

NM_006904.7(PRKDC):c.764C>T (p.Ala255Val)

Gene: PRKDC (protein kinase, DNA-activated, catalytic subunit; minus strand). Cytogenetic location: 8q11.21.
Variant type: single nucleotide variant.
Coding change: c.764C>T on transcript NM_006904.7 (MANE Select); coding-DNA position 764, C replaced by T.
Protein change: p.Ala255Val; replaces alanine 255 with valine.
Molecular consequence: missense variant.
Genome position (GRCh38, 1-based): chr8:47,943,987, G>A on the plus strand (C>T on the coding strand, the complement: PRKDC is on the minus strand). VCF-style: chr8-47943987-G-A. GRCh37 (hg19) VCF-style: chr8-48856547-G-A.
Other names: c.764C>T, p.Ala255Val (NM_001081640.2); short protein forms A255V.
Identifiers: ClinVar variation 966625 (VCV000966625.7), dbSNP rs200282483, ClinGen allele CA4741939.
Genomic context (GRCh38, chr8:47,943,987, plus strand): 5'-GCACTGTAAAGGCATTAGAATAATATTAATAGTAATATTAATCCTACCTGAGGACGAATT[G>A]CCTTTAGTACAAAATTAAAAATCTCCCTTGAAGTCTGGGGATCTAGGGAAATACCAAGAA-3'
Protein context (NP_008835.5, residues 245-265): SREIFNFVLK[Ala255Val]IRPQIDLKRY

ClinVar aggregate classification (germline): Uncertain significance (1 of 4 stars; one submission).

Conditions:
Severe combined immunodeficiency due to DNA-PKcs deficiency. Also called: Immunodeficiency 26 with or without neurologic abnormalities; IMMUNODEFICIENCY 26 WITH NEUROLOGIC ABNORMALITIES. Identifiers: Orphanet 317425, MedGen C4014833, MONDO:0014423, OMIM 615966.

Allele frequency attached by ClinVar (database versions not stated): gnomAD 0.00003; gnomAD exomes 0.00003; TOPMed 0.00003; ExAC 0.00014; ESP Exome Variant Server 0.00026.
gnomAD v4.1: 32 of 1,564,704 alleles (0.002%); highest among the groups gnomAD compares: Non-Finnish European, 0.001%; no homozygotes.

Submission:

Labcorp Genetics (formerly Invitae), Labcorp
Classification: Uncertain significance for Severe combined immunodeficiency due to DNA-PKcs deficiency. Last evaluated: 2025-12-22. Review status: criteria provided, single submitter. Criteria: Invitae Variant Classification Sherloc (09022015). Collection method: clinical testing. Allele origin: germline.
Comment: This sequence change replaces alanine, which is neutral and non-polar, with valine, which is neutral and non-polar, at codon 255 of the PRKDC protein (p.Ala255Val). This variant is present in population databases (rs200282483, gnomAD 0.03%). This variant has not been reported in the literature in individuals affected with PRKDC-related conditions. ClinVar contains an entry for this variant (Variation ID: 966625). Invitae Evidence Modeling of protein sequence and biophysical properties (such as structural, functional, and spatial information, amino acid conservation, physicochemical variation, residue mobility, and thermodynamic stability) has been performed for this missense variant. However, the output from this modeling did not meet the statistical confidence thresholds required to predict the impact of this variant on PRKDC protein function. Algorithms developed to predict the effect of sequence changes on RNA splicing suggest that this variant may disrupt the consensus splice site. In summary, the available evidence is currently insufficient to determine the role of this variant in disease. Therefore, it has been classified as a Variant of Uncertain Significance.